The following is an entry in ClinVar:

NM_144962.3(PEBP4):c.112G>A (p.Glu38Lys)

Gene: PEBP4 (phosphatidylethanolamine binding protein 4; minus strand). Cytogenetic location: 8p21.3.
Variant type: single nucleotide variant.
Coding change: c.112G>A on transcript NM_144962.3 (MANE Select); coding-DNA position 112, G replaced by A.
Protein change: p.Glu38Lys; replaces glutamic acid 38 with lysine.
Molecular consequence: missense variant.
Genome position (GRCh38, 1-based): chr8:22,927,603, C>T on the plus strand (G>A on the coding strand, the complement: PEBP4 is on the minus strand). VCF-style: chr8-22927603-C-T. GRCh37 (hg19) VCF-style: chr8-22785116-C-T.
Other names: c.112G>A, p.Glu38Lys (NM_001363233.2); short protein forms E38K.
Identifiers: ClinVar variation 3416901 (VCV003416901.2).

ClinVar aggregate classification (germline): Uncertain significance. Review status: criteria provided, multiple submitters, no conflicts (2 of 4 stars). 2 submissions from 2 submitters: Uncertain significance (2). Last evaluated 2025-04-23.

Submissions (2):

Clinical Genomics Laboratory, Washington University in St. Louis
Classification: Uncertain significance. Last evaluated: 2025-04-23. Review status: criteria provided, single submitter. Criteria: ACMG Guidelines, 2015. Collection method: clinical testing. Allele origin: germline.
Comment: The PEBP4 c.112G>A (p.Glu38Lys) variant, to our knowledge, has not been reported in the medical literature. This variant is only observed in 13/1,611,656 alleles in the general population (gnomAD v4.1), indicating it is not a common variant. Computational predictors suggest that the variant does not impact PEBP4 function. Due to limited information, the clinical significance of this variant is uncertain.

Ambry Genetics
Classification: Uncertain significance. Last evaluated: 2024-10-20. Review status: criteria provided, single submitter. Criteria: Ambry Variant Classification Scheme 2023. Collection method: clinical testing. Allele origin: germline.